The following is an entry in ClinVar:

ClinVar aggregate classification (germline): Uncertain significance (1 of 4 stars; one submission).

gnomAD v4.1: 30 of 1,614,102 alleles (0.0019%); highest among the groups gnomAD compares: Non-Finnish European, 0.0025%; no homozygotes.

Submission:

Mayo Clinic Laboratories, Mayo Clinic
Classification: Uncertain significance. Last evaluated: 2023-10-27. Review status: criteria provided, single submitter. Criteria: ACMG Guidelines, 2015. Collection method: clinical testing. Allele origin: germline. Observed: 1 variant allele.
Comment: BP4, PM2_moderate

NM_001355436.2(SPTB):c.3224C>T (p.Ala1075Val)

Gene: SPTB (spectrin beta, erythrocytic; minus strand). Cytogenetic location: 14q23.3.
Variant type: single nucleotide variant.
Coding change: c.3224C>T on transcript NM_001355436.2 (MANE Select); coding-DNA position 3224, C replaced by T.
Protein change: p.Ala1075Val; replaces alanine 1075 with valine.
Molecular consequence: missense variant.
Genome position (GRCh38, 1-based): chr14:64,786,741, G>A on the plus strand (C>T on the coding strand, the complement: SPTB is on the minus strand). VCF-style: chr14-64786741-G-A. GRCh37 (hg19) VCF-style: chr14-65253459-G-A.
Other names: p.Ala1075Val; c.3224C>T, p.Ala1075Val (NM_001024858.4, NM_001355437.2); short protein forms A1075V.
Identifiers: ClinVar variation 3380205 (VCV003380205.1).
Genomic context (GRCh38, chr14:64,786,741, plus strand): 5'-TCTGGGAGGGATTCGGGCATGTCCTCAGAGGCCACAGCCTTCTGGGTGATGGAGAGCCAG[G>A]CCTGGAAGTCATCCAGATCCTGCAGGAAGGCCTGCAGCTGGCTGACTTCCCCCAGCAAGT-3'
Protein context (NP_001342365.1, residues 1065-1085): AFLQDLDDFQ[Ala1075Val]WLSITQKAVA